The following is an entry in ClinVar:

ClinVar aggregate classification (germline): Uncertain significance (1 of 4 stars; one submission).

Conditions:
Cardiovascular phenotype. Identifiers: MedGen CN230736.
Hereditary cancer-predisposing syndrome. Also called: Tumor predisposition; Hereditary neoplastic syndrome; Neoplastic Syndromes, Hereditary; Hereditary Cancer Syndrome. Identifiers: Orphanet 140162, MedGen C0027672, MeSH D009386, MONDO:0015356.

Submission:

Ambry Genetics
Classification: Uncertain significance for Cardiovascular phenotype; Hereditary cancer-predisposing syndrome. Last evaluated: 2025-04-29. Review status: criteria provided, single submitter. Criteria: Ambry Variant Classification Scheme 2023. Collection method: clinical testing. Allele origin: germline.
Comment: The p.T1046S variant (also known as c.3136A>T), located in coding exon 24 of the NF1 gene, results from an A to T substitution at nucleotide position 3136. The threonine at codon 1046 is replaced by serine, an amino acid with similar properties. This amino acid position is conserved. In addition, the in silico prediction for this alteration is inconclusive. Based on the available evidence, the clinical significance of this variant remains unclear.

NM_001042492.3(NF1):c.3136A>T (p.Thr1046Ser)

Gene: NF1 (neurofibromin 1; plus strand). Cytogenetic location: 17q11.2.
Variant type: single nucleotide variant.
Coding change: c.3136A>T on transcript NM_001042492.3 (MANE Select); coding-DNA position 3136, A replaced by T.
Protein change: p.Thr1046Ser; replaces threonine 1046 with serine.
Molecular consequence: missense variant.
Genome position (GRCh38, 1-based): chr17:31,230,864, A>T. VCF-style: chr17-31230864-A-T. GRCh37 (hg19) VCF-style: chr17-29557882-A-T.
Other names: c.3136A>T, p.Thr1046Ser (NM_000267.4); short protein forms T1046S.
Identifiers: ClinVar variation 4025354 (VCV004025354.1).